The following is an entry in ClinVar:

ClinVar aggregate classification (germline): Uncertain significance (1 of 4 stars; one submission).

Conditions:
Cardiovascular phenotype. Identifiers: MedGen CN230736.

Submission:

Ambry Genetics
Classification: Uncertain significance for Cardiovascular phenotype. Last evaluated: 2026-08-08. Review status: criteria provided, single submitter. Criteria: Ambry Variant Classification Scheme 2023. Collection method: clinical testing. Allele origin: germline.
Comment: The p.S1718F variant (also known as c.5153C>T), located in coding exon 20 of the AKAP9 gene, results from a C to T substitution at nucleotide position 5153. The serine at codon 1718 is replaced by phenylalanine, an amino acid with highly dissimilar properties. This amino acid position is conserved. In addition, this alteration is predicted to be tolerated by in silico analysis. Based on the available evidence, the clinical significance of this variant remains unclear.

NM_005751.5(AKAP9):c.5153C>T (p.Ser1718Phe)

Gene: AKAP9 (A-kinase anchoring protein 9; plus strand). Cytogenetic location: 7q21.2.
Variant type: single nucleotide variant.
Coding change: c.5153C>T on transcript NM_005751.5 (MANE Select); coding-DNA position 5153, C replaced by T.
Protein change: p.Ser1718Phe; replaces serine 1718 with phenylalanine.
Molecular consequence: missense variant.
Genome position (GRCh38, 1-based): chr7:92,042,762, C>T. VCF-style: chr7-92042762-C-T. GRCh37 (hg19) VCF-style: chr7-91672076-C-T.
Other names: c.5153C>T, p.Ser1718Phe (NM_147185.3); short protein forms S1718F.
Identifiers: ClinVar variation 5034034 (VCV005034034.1).